The following is an entry in ClinVar:

ClinVar aggregate classification (germline): Uncertain significance (1 of 4 stars; one submission).

Conditions:
Primary ciliary dyskinesia. Also called: Ciliary dyskinesia. Identifiers: Orphanet 244, MedGen C0008780, MONDO:0016575, HP:0012265.

Allele frequency attached by ClinVar (database versions not stated): TOPMed below 0.00001; gnomAD 0.00001; gnomAD exomes 0.00001; ExAC 0.00002.
gnomAD v4.1: 11 of 1,022,047 alleles (0.0011%); highest among the groups gnomAD compares: East Asian, 0.037%; no homozygotes.

Submission:

Labcorp Genetics (formerly Invitae), Labcorp
Classification: Uncertain significance for Primary ciliary dyskinesia. Last evaluated: 2025-03-18. Review status: criteria provided, single submitter. Criteria: Invitae Variant Classification Sherloc (09022015). Collection method: clinical testing. Allele origin: germline.
Comment: This sequence change replaces serine, which is neutral and polar, with glycine, which is neutral and non-polar, at codon 507 of the RPGR protein (p.Ser507Gly). The frequency data for this variant in the population databases is considered unreliable, as metrics indicate poor data quality at this position in the gnomAD database. This variant has not been reported in the literature in individuals affected with RPGR-related conditions. ClinVar contains an entry for this variant (Variation ID: 1990539). Invitae Evidence Modeling of protein sequence and biophysical properties (such as structural, functional, and spatial information, amino acid conservation, physicochemical variation, residue mobility, and thermodynamic stability) indicates that this missense variant is not expected to disrupt RPGR protein function with a negative predictive value of 80%. In summary, the available evidence is currently insufficient to determine the role of this variant in disease. Therefore, it has been classified as a Variant of Uncertain Significance.

NM_001034853.2(RPGR):c.1519A>G (p.Ser507Gly)

Gene: RPGR (retinitis pigmentosa GTPase regulator; minus strand). Cytogenetic location: Xp11.4.
Variant type: single nucleotide variant.
Coding change: c.1519A>G on transcript NM_001034853.2 (MANE Select); coding-DNA position 1519, A replaced by G.
Protein change: p.Ser507Gly; replaces serine 507 with glycine.
Molecular consequence: missense variant. On other transcripts: non-coding transcript variant (6).
Genome position (GRCh38, 1-based): chrX:38,291,012, T>C on the plus strand (A>G on the coding strand, the complement: RPGR is on the minus strand). VCF-style: chrX-38291012-T-C. GRCh37 (hg19) VCF-style: chrX-38150265-T-C.
Other names: c.1519A>G, p.Ser507Gly (NM_000328.3, NM_001367247.1); c.1516A>G, p.Ser506Gly (NM_001367245.1, NM_001367249.1, NM_001367250.1); c.1333A>G, p.Ser445Gly (NM_001367246.1, NM_001367251.1); c.1549A>G, p.Ser517Gly (NM_001367248.1); short protein forms S445G, S507G, S517G, S506G.
Identifiers: ClinVar variation 1990539 (VCV001990539.4), dbSNP rs772557101, ClinGen allele CA10385453.
Genomic context (GRCh38, chrX:38,291,012, plus strand): 5'-ATTATACCTTTTGTTTCTGAACTGGTGATAATTTTAATGACTTTTCATTGGAATTCAGGC[T>C]CATGATGTGTGTCTGAAATAAATAAAAAATATATATTATAAAAAGAATACAGTATATATA-3'
Protein context (NP_001030025.1, residues 497-517): TDILNMTHIM[Ser507Gly]LNSNEKSLKL